The following is an entry in ClinVar:

ClinVar aggregate classification (germline): Likely benign. Review status: criteria provided, multiple submitters, no conflicts (2 of 4 stars). 3 submissions from 3 submitters: Likely benign (3). Last evaluated 2026-05-01.

Allele frequency attached by ClinVar (database versions not stated): gnomAD 0.00001; TOPMed 0.00002.

Submissions (3):

CeGaT Center for Human Genetics Tuebingen
Classification: Likely benign. Last evaluated: 2026-05-01. Review status: criteria provided, single submitter. Criteria: CeGaT Center For Human Genetics Tuebingen Variant Classification Criteria Version 2. Collection method: clinical testing. Allele origin: germline. Affected: yes. Observed: 1 variant allele.
Comment: NAXD: BP4, BP7

Blueprint Genetics
Classification: Likely benign. Last evaluated: 2023-02-24. Review status: criteria provided, single submitter. Criteria: ACMG Guidelines, 2015. Collection method: clinical testing. Allele origin: germline.

Labcorp Genetics (formerly Invitae), Labcorp
Classification: Likely benign. Last evaluated: 2022-12-27. Review status: criteria provided, single submitter. Criteria: Invitae Variant Classification Sherloc (09022015). Collection method: clinical testing. Allele origin: germline.

NM_001242882.2(NAXD):c.46+99C>T

Genes: NAXD-AS1 (NAXD antisense RNA 1; minus strand), NAXD (NAD(P)HX dehydratase; plus strand). Cytogenetic location: 13q34.
Variant type: single nucleotide variant.
Coding change: c.46+99C>T on transcript NM_001242882.2 (MANE Select); 99 bases into the intron after coding-DNA position 46, C replaced by T.
Molecular consequence: intron variant. On other transcripts: non-coding transcript variant (1), synonymous variant (2).
Genome position (GRCh38, 1-based): chr13:110,615,746, C>T. VCF-style: chr13-110615746-C-T. GRCh37 (hg19) VCF-style: chr13-111268093-C-T.
Other names: c.72C>T, p.Leu24= (NM_001242881.2, NM_018210.4); c.56+99C>T (NM_001242883.2).
Identifiers: ClinVar variation 2721679 (VCV002721679.6), dbSNP rs776590215, ClinGen allele CA256296753.